The following is an entry in ClinVar:

ClinVar aggregate classification (germline): Uncertain significance. Review status: criteria provided, multiple submitters, no conflicts (2 of 4 stars). 2 submissions from 2 submitters: Uncertain significance (2). Last evaluated 2025-07-07.

Conditions:
Ataxia-telangiectasia syndrome (AT). Also called: Ataxia-telangiectasia, complementation group D; Cerebello-oculocutaneous telangiectasia; Immunodeficiency with ataxia telangiectasia; LOUIS-BAR SYNDROME; Ataxia-telangiectasia; AT, COMPLEMENTATION GROUP C. Identifiers: Orphanet 100, MedGen C0004135, MONDO:0008840, OMIM 208900.
Hereditary cancer-predisposing syndrome. Also called: Tumor predisposition; Hereditary neoplastic syndrome; Neoplastic Syndromes, Hereditary; Hereditary Cancer Syndrome. Identifiers: Orphanet 140162, MedGen C0027672, MeSH D009386, MONDO:0015356.

Submissions (2):

Labcorp Genetics (formerly Invitae), Labcorp
Classification: Uncertain significance for Ataxia-telangiectasia syndrome. Last evaluated: 2025-07-07. Review status: criteria provided, single submitter. Criteria: Invitae Variant Classification Sherloc (09022015). Collection method: clinical testing. Allele origin: germline.
Comment: This sequence change replaces methionine, which is neutral and non-polar, with leucine, which is neutral and non-polar, at codon 1830 of the ATM protein (p.Met1830Leu). This variant is not present in population databases (gnomAD no frequency). This variant has not been reported in the literature in individuals affected with ATM-related conditions. ClinVar contains an entry for this variant (Variation ID: 926320). Invitae Evidence Modeling of protein sequence and biophysical properties (such as structural, functional, and spatial information, amino acid conservation, physicochemical variation, residue mobility, and thermodynamic stability) indicates that this missense variant is not expected to disrupt ATM protein function with a negative predictive value of 95%. In summary, the available evidence is currently insufficient to determine the role of this variant in disease. Therefore, it has been classified as a Variant of Uncertain Significance.

Color Diagnostics, LLC DBA Color Health
Classification: Uncertain significance for Hereditary cancer-predisposing syndrome. Last evaluated: 2024-03-07. Review status: criteria provided, single submitter. Criteria: ACMG Guidelines, 2015. Collection method: clinical testing. Allele origin: germline.
Comment: This missense variant replaces methionine with leucine at codon 1830 of the ATM protein. Computational prediction tool suggests that this variant may not impact protein structure and function (internally defined REVEL score threshold <=0.5, PMID: 27666373). Splice site prediction tools suggest that this variant may not impact RNA splicing. To our knowledge, functional studies have not been performed for this variant. This variant has not been reported in individuals affected with hereditary cancer in the literature. This variant has not been identified in the general population by the Genome Aggregation Database (gnomAD). The available evidence is insufficient to determine the role of this variant in disease conclusively. Therefore, this variant is classified as a Variant of Uncertain Significance.

NM_000051.4(ATM):c.5488A>T (p.Met1830Leu)

Gene: ATM (ATM serine/threonine kinase; plus strand). Cytogenetic location: 11q22.3.
Variant type: single nucleotide variant.
Coding change: c.5488A>T on transcript NM_000051.4 (MANE Select); coding-DNA position 5488, A replaced by T.
Protein change: p.Met1830Leu; replaces methionine 1830 with leucine.
Molecular consequence: missense variant.
Genome position (GRCh38, 1-based): chr11:108,303,021, A>T. VCF-style: chr11-108303021-A-T. GRCh37 (hg19) VCF-style: chr11-108173748-A-T.
Other names: c.5488A>T, p.Met1830Leu (NM_001351834.2); short protein forms M1830L.
Identifiers: ClinVar variation 926320 (VCV000926320.10), dbSNP rs587781622, ClinGen allele CA382544487.
Genomic context (GRCh38, chr11:108,303,021, plus strand): 5'-ACTTGTGCTTTTTTGGACAGTGGAGGCACAAAATGTGAAATTCTTCAATTATTAAAGCCA[A>T]TGTGTGAAGTAAGAAGATTAATTAGTCTGATATAATTCCTTGTTTATGACCTGTTTATCT-3'
Protein context (NP_000042.3, residues 1820-1840): KCEILQLLKP[Met1830Leu]CEVKTDFCQT